The following is an entry in ClinVar:

NM_001184.4(ATR):c.4273C>A (p.Leu1425Ile)

Gene: ATR (ATR checkpoint kinase; minus strand). Cytogenetic location: 3q23.
Variant type: single nucleotide variant.
Coding change: c.4273C>A on transcript NM_001184.4 (MANE Select); coding-DNA position 4273, C replaced by A.
Protein change: p.Leu1425Ile; replaces leucine 1425 with isoleucine.
Molecular consequence: missense variant.
Genome position (GRCh38, 1-based): chr3:142,519,778, G>T on the plus strand (C>A on the coding strand, the complement: ATR is on the minus strand). VCF-style: chr3-142519778-G-T. GRCh37 (hg19) VCF-style: chr3-142238620-G-T.
Other names: c.4081C>A, p.Leu1361Ile (NM_001354579.2); short protein forms L1361I, L1425I.
Identifiers: ClinVar variation 3654680 (VCV003654680.2).
Genomic context (GRCh38, chr3:142,519,778, plus strand): 5'-TCCTCCACAATTGGTGACCTGGGCCGTTGGTCTCCATCTCTCTACAGTCATAAATAGAAA[G>T]CAACTCCTACAAATACATATTTTACATTTGTAAGTCCACAGTGAAGCAGATAACGCTTTA-3'
Protein context (NP_001175.2, residues 1415-1435): DSAAYAIQEL[Leu1425Ile]SIYDCREMET

ClinVar aggregate classification (germline): Uncertain significance (1 of 4 stars; one submission).

Submission:

Labcorp Genetics (formerly Invitae), Labcorp
Classification: Uncertain significance. Last evaluated: 2024-09-18. Review status: criteria provided, single submitter. Criteria: Invitae Variant Classification Sherloc (09022015). Collection method: clinical testing. Allele origin: germline.
Comment: This sequence change replaces leucine, which is neutral and non-polar, with isoleucine, which is neutral and non-polar, at codon 1425 of the ATR protein (p.Leu1425Ile). This variant is not present in population databases (gnomAD no frequency). This variant has not been reported in the literature in individuals affected with ATR-related conditions. An algorithm developed to predict the effect of missense changes on protein structure and function (PolyPhen-2) suggests that this variant is likely to be disruptive. In summary, the available evidence is currently insufficient to determine the role of this variant in disease. Therefore, it has been classified as a Variant of Uncertain Significance.